The following is an entry in ClinVar:

ClinVar aggregate classification (germline): Uncertain significance. Review status: criteria provided, multiple submitters, no conflicts (2 of 4 stars). 4 submissions from 4 submitters: Uncertain significance (4). Last evaluated 2026-08-29.

Conditions:
Dilated cardiomyopathy 1AA (CMD1AA). Also called: Cardiomyopathy, dilated, 1AA, with or without LVNC; CARDIOMYOPATHY, FAMILIAL HYPERTROPHIC, 23, WITH OR WITHOUT LEFT VENTRICULAR NONCOMPACTION; CARDIOMYOPATHY, DILATED, 1AA, WITH OR WITHOUT LEFT VENTRICULAR NONCOMPACTION. Identifiers: Orphanet 154, MedGen C2677338, MONDO:0012808, OMIM 612158.
Myopathy, congenital, with structured cores and z-line abnormalities. Also called: MULTIPLE STRUCTURED CORE DISEASE; CONGENITAL MYOPATHY 8. Identifiers: MedGen C5231445, MONDO:0032852, OMIM 618654.
Myopathy, distal, 6, adult-onset, autosomal dominant. Identifiers: MedGen C5203349, MONDO:0032853, OMIM 618655.
Cardiovascular phenotype. Identifiers: MedGen CN230736.
Primary familial hypertrophic cardiomyopathy (HCM). Identifiers: Orphanet 99739, MedGen C0949658, MeSH D024741, MONDO:0024573. Inheritance: Various modes of inheritance.

Allele frequency attached by ClinVar (database versions not stated): gnomAD 0.00001; TOPMed 0.00001; gnomAD exomes 0.00001 and 0.00002; ExAC 0.00003; ESP Exome Variant Server 0.00008.
gnomAD v4.1: 13 of 1,613,994 alleles (0.00081%); highest among the groups gnomAD compares: Middle Eastern, 0.016%; no homozygotes.

Submissions (4):

Ambry Genetics
Classification: Uncertain significance for Cardiovascular phenotype. Last evaluated: 2026-08-29. Review status: criteria provided, single submitter. Criteria: Ambry Variant Classification Scheme 2023. Collection method: clinical testing. Allele origin: germline.
Comment: The p.R572Q variant (also known as c.1715G>A), located in coding exon 15 of the ACTN2 gene, results from a G to A substitution at nucleotide position 1715. The arginine at codon 572 is replaced by glutamine, an amino acid with highly similar properties. This amino acid position is conserved. In addition, the in silico prediction for this alteration is inconclusive. Based on the available evidence, the clinical significance of this variant remains unclear.

Labcorp Genetics (formerly Invitae), Labcorp
Classification: Uncertain significance for Primary familial hypertrophic cardiomyopathy; Dilated cardiomyopathy 1AA. Last evaluated: 2025-06-09. Review status: criteria provided, single submitter. Criteria: Invitae Variant Classification Sherloc (09022015). Collection method: clinical testing. Allele origin: germline.
Comment: This sequence change replaces arginine, which is basic and polar, with glutamine, which is neutral and polar, at codon 572 of the ACTN2 protein (p.Arg572Gln). This variant is present in population databases (rs141434302, gnomAD 0.003%). This variant has not been reported in the literature in individuals affected with ACTN2-related conditions. ClinVar contains an entry for this variant (Variation ID: 1413635). Invitae Evidence Modeling of protein sequence and biophysical properties (such as structural, functional, and spatial information, amino acid conservation, physicochemical variation, residue mobility, and thermodynamic stability) indicates that this missense variant is not expected to disrupt ACTN2 protein function with a negative predictive value of 80%. In summary, the available evidence is currently insufficient to determine the role of this variant in disease. Therefore, it has been classified as a Variant of Uncertain Significance.

GeneDx
Classification: Uncertain significance. Last evaluated: 2024-01-03. Review status: criteria provided, single submitter. Criteria: GeneDx Variant Classification Process June 2021. Collection method: clinical testing. Allele origin: germline. Affected: yes.
Comment: Has not been previously published as pathogenic or benign to our knowledge; Not observed at significant frequency in large population cohorts (gnomAD); In silico analysis supports that this missense variant does not alter protein structure/function

Fulgent Genetics
Classification: Uncertain significance for Dilated cardiomyopathy 1AA; Myopathy, congenital, with structured cores and z-line abnormalities; Myopathy, distal, 6, adult-onset, autosomal dominant. Last evaluated: 2021-08-23. Review status: criteria provided, single submitter. Criteria: ACMG Guidelines, 2015. Collection method: clinical testing. Allele origin: unknown.

NM_001103.4(ACTN2):c.1715G>A (p.Arg572Gln)

Gene: ACTN2 (actinin alpha 2; plus strand). Cytogenetic location: 1q43.
Variant type: single nucleotide variant.
Coding change: c.1715G>A on transcript NM_001103.4 (MANE Select); coding-DNA position 1715, G replaced by A.
Protein change: p.Arg572Gln; replaces arginine 572 with glutamine.
Molecular consequence: missense variant.
Genome position (GRCh38, 1-based): chr1:236,751,528, G>A. VCF-style: chr1-236751528-G-A. GRCh37 (hg19) VCF-style: chr1-236914828-G-A.
Other names: c.1715G>A, p.Arg572Gln (NM_001278343.2); c.1091G>A, p.Arg364Gln (NM_001278344.2); c.1715G>A (NM_001103.2); short protein forms R364Q, R572Q.
Identifiers: ClinVar variation 1413635 (VCV001413635.12), dbSNP rs141434302, ClinGen allele CA1473234.